The following is an entry in ClinVar:

NM_014806.5(RUSC2):c.3130G>C (p.Val1044Leu)

Gene: RUSC2 (RUN and SH3 domain containing 2; plus strand). Cytogenetic location: 9p13.3.
Variant type: single nucleotide variant.
Coding change: c.3130G>C on transcript NM_014806.5 (MANE Select); coding-DNA position 3130, G replaced by C.
Protein change: p.Val1044Leu; replaces valine 1044 with leucine.
Molecular consequence: missense variant. On other transcripts: non-coding transcript variant (1).
Genome position (GRCh38, 1-based): chr9:35,558,266, G>C. VCF-style: chr9-35558266-G-C. GRCh37 (hg19) VCF-style: chr9-35558263-G-C.
Other names: c.3130G>C, p.Val1044Leu (NM_001135999.2); c.496G>C, p.Val166Leu (NM_001330740.2); short protein forms V166L, V1044L.
Identifiers: ClinVar variation 2808950 (VCV002808950.3), dbSNP rs147279845, ClinGen allele CA373348088.
Genomic context (GRCh38, chr9:35,558,266, plus strand): 5'-GGAAACAGTTCTGTGAGCCCCAATGTGGGCCACCTGGTTCTGAAGTACTTGTGCCCTGCC[G>C]TCCGCGCCGTGCTGGAGGATGGGCTCAAGGCCTTTGTACTGGACGTCATCATCGGGCAGC-3'
Protein context (NP_055621.2, residues 1034-1054): HLVLKYLCPA[Val1044Leu]RAVLEDGLKA

ClinVar aggregate classification (germline): Uncertain significance (1 of 4 stars; one submission).

gnomAD v4.1: 1 of 1,614,124 alleles (0.000062%); highest among the groups gnomAD compares: African/African-American, 0.0013%; no homozygotes.

Submission:

Labcorp Genetics (formerly Invitae), Labcorp
Classification: Uncertain significance. Last evaluated: 2023-08-07. Review status: criteria provided, single submitter. Criteria: Invitae Variant Classification Sherloc (09022015). Collection method: clinical testing. Allele origin: germline.
Comment: In summary, the available evidence is currently insufficient to determine the role of this variant in disease. Therefore, it has been classified as a Variant of Uncertain Significance. An algorithm developed to predict the effect of missense changes on protein structure and function (PolyPhen-2) suggests that this variant is likely to be disruptive. This variant has not been reported in the literature in individuals affected with RUSC2-related conditions. This variant is not present in population databases (gnomAD no frequency). This sequence change replaces valine, which is neutral and non-polar, with leucine, which is neutral and non-polar, at codon 1044 of the RUSC2 protein (p.Val1044Leu).